The following is an entry in ClinVar:

NM_177972.3(TUB):c.39-4G>T

Gene: TUB (TUB bipartite transcription factor; plus strand). Cytogenetic location: 11p15.4.
Variant type: single nucleotide variant.
Coding change: c.39-4G>T on transcript NM_177972.3 (MANE Select); 4 bases into the intron before coding-DNA position 39, G replaced by T.
Molecular consequence: intron variant.
Genome position (GRCh38, 1-based): chr11:8,089,606, G>T. VCF-style: chr11-8089606-G-T. GRCh37 (hg19) VCF-style: chr11-8111153-G-T.
Other names: c.204-4G>T (NM_003320.5, NM_003320.4).
Identifiers: ClinVar variation 1121582 (VCV001121582.12), dbSNP rs375658002, ClinGen allele CA5870927.
Genomic context (GRCh38, chr11:8,089,606, plus strand): 5'-GCTCTGGGCTGTATATCCTGGCACCTCACGGGCAAGCCCTGAAAACCCCTCTTTCGCTCT[G>T]CAGTGTCTTAGATGATGAGGGCAGAAACCTGAGGCAGCAGAAGCTTGATCGGCAGGTGAG-3'

ClinVar aggregate classification (germline): Likely benign. Review status: criteria provided, multiple submitters, no conflicts (2 of 4 stars). 3 submissions from 3 submitters: Likely benign (2). 1 of the submissions does not count toward it. Last evaluated 2024-11-01.

Conditions:
TUB-related disorder. Also called: TUB-related condition.

Allele frequency attached by ClinVar (database versions not stated): gnomAD exomes below 0.00001; ExAC 0.00002; TOPMed 0.00002; gnomAD 0.00003; ESP Exome Variant Server 0.00015.
gnomAD v4.1: 8 of 1,614,068 alleles (0.0005%); highest among the groups gnomAD compares: African/African-American, 0.0053%; no homozygotes.

Submissions (3):

Blueprint Genetics
Classification: Likely benign. Last evaluated: 2024-11-01. Review status: criteria provided, single submitter. Criteria: ACMG Guidelines, 2015. Collection method: clinical testing. Allele origin: germline.

Labcorp Genetics (formerly Invitae), Labcorp
Classification: Likely benign. Last evaluated: 2022-06-27. Review status: criteria provided, single submitter. Criteria: Invitae Variant Classification Sherloc (09022015). Collection method: clinical testing. Allele origin: germline.

PreventionGenetics, part of Exact Sciences
Classification: Likely benign for TUB-related condition. Last evaluated: 2022-05-05. Review status: no assertion criteria provided. Collection method: clinical testing. Allele origin: germline. Not counted in ClinVar's aggregate classification.
Comment: This variant is classified as likely benign based on ACMG/AMP sequence variant interpretation guidelines (Richards et al. 2015 PMID: 25741868, with internal and published modifications).